The following is an entry in ClinVar:

NM_000069.3(CACNA1S):c.2670C>T (p.Ile890=)

Gene: CACNA1S (calcium voltage-gated channel subunit alpha1 S; minus strand). Cytogenetic location: 1q32.1.
Variant type: single nucleotide variant.
Coding change: c.2670C>T on transcript NM_000069.3 (MANE Select); coding-DNA position 2670, C replaced by T.
Protein change: p.Ile890=; no amino-acid change (isoleucine 890 retained).
Molecular consequence: synonymous variant.
Genome position (GRCh38, 1-based): chr1:201,066,304, G>A on the plus strand (C>T on the coding strand, the complement: CACNA1S is on the minus strand). VCF-style: chr1-201066304-G-A. GRCh37 (hg19) VCF-style: chr1-201035432-G-A.
Identifiers: ClinVar variation 3070184 (VCV003070184.1), dbSNP rs2464521080, ClinGen allele CA422686908.

ClinVar aggregate classification (germline): Uncertain significance (1 of 4 stars; one submission).

Conditions:
Malignant hyperthermia, susceptibility to, 5 (MHS5). Also called: CACNA1S-Related Malignant Hyperthermia Susceptibility. Identifiers: Orphanet 423, MedGen C1866077, MONDO:0011163, OMIM 601887.

Submission:

All of Us Research Program, National Institutes of Health
Classification: Uncertain significance for Malignant hyperthermia, susceptibility to, 5. Last evaluated: 2023-04-03. Review status: criteria provided, single submitter. Criteria: ACMG Guidelines, 2015. Collection method: clinical testing. Allele origin: germline. Inheritance: Autosomal dominant inheritance. Observed: 1 variant allele, 1 heterozygote.
Comment: This variant is located in the CACNA1S protein. To our knowledge, functional studies have not been reported for this variant. This variant has not been reported in individuals affected with CACNA1S-related disorders in the literature. This variant has not been identified in the general population by the Genome Aggregation Database (gnomAD). The available evidence is insufficient to determine the role of this variant in disease conclusively. Therefore, this variant is classified as a Variant of Uncertain Significance.

This study involves interpretation of variants in research participants for the purpose of population health screening. Participant phenotype was not available at the time of variant classification. Additional details can be found in publication PMID: 35346344, PMCID: PMC8962531